The following is an entry in ClinVar:

NM_025243.4(SLC19A3):c.998C>T (p.Ala333Val)

Gene: SLC19A3 (solute carrier family 19 member 3; minus strand). Cytogenetic location: 2q36.3.
Variant type: single nucleotide variant.
Coding change: c.998C>T on transcript NM_025243.4 (MANE Select); coding-DNA position 998, C replaced by T.
Protein change: p.Ala333Val; replaces alanine 333 with valine.
Molecular consequence: missense variant.
Genome position (GRCh38, 1-based): chr2:227,696,063, G>A on the plus strand (C>T on the coding strand, the complement: SLC19A3 is on the minus strand). VCF-style: chr2-227696063-G-A. GRCh37 (hg19) VCF-style: chr2-228560779-G-A.
Other names: short protein forms A333V.
Identifiers: ClinVar variation 640972 (VCV000640972.9), dbSNP rs773023992, ClinGen allele CA2149173.

ClinVar aggregate classification (germline): Uncertain significance (1 of 4 stars; one submission).

Conditions:
Biotin-responsive basal ganglia disease (BTBGD). Also called: Thiamine metabolism dysfunction syndrome 2 (biotin- or thiamine-responsive encephalopathy type 2); thiamine-responsive encephalopathy; THIAMINE METABOLISM DYSFUNCTION SYNDROME 2 (BIOTIN- AND THIAMINE-RESPONSIVE TYPE); Thiamine Transporter-2 Deficiency; Thiamine metabolism dysfunction syndrome type 2. Identifiers: Orphanet 199348, Orphanet 65284, MedGen C1843807, MONDO:0011841, OMIM 607483.

Allele frequency attached by ClinVar (database versions not stated): gnomAD exomes below 0.00001 and 0.00001; ExAC 0.00001.
gnomAD v4.1: 2 of 1,593,350 alleles (0.00013%); highest among the groups gnomAD compares: Admixed American, 0.0035%; no homozygotes.

Submission:

Labcorp Genetics (formerly Invitae), Labcorp
Classification: Uncertain significance for Biotin-responsive basal ganglia disease. Last evaluated: 2023-08-04. Review status: criteria provided, single submitter. Criteria: Invitae Variant Classification Sherloc (09022015). Collection method: clinical testing. Allele origin: germline.
Comment: In summary, the available evidence is currently insufficient to determine the role of this variant in disease. Therefore, it has been classified as a Variant of Uncertain Significance. Advanced modeling of protein sequence and biophysical properties (such as structural, functional, and spatial information, amino acid conservation, physicochemical variation, residue mobility, and thermodynamic stability) performed at Invitae indicates that this missense variant is not expected to disrupt SLC19A3 protein function. ClinVar contains an entry for this variant (Variation ID: 640972). This variant has not been reported in the literature in individuals affected with SLC19A3-related conditions. This variant is present in population databases (rs773023992, gnomAD 0.006%). This sequence change replaces alanine, which is neutral and non-polar, with valine, which is neutral and non-polar, at codon 333 of the SLC19A3 protein (p.Ala333Val).